The following is an entry in ClinVar:

ClinVar aggregate classification (germline): Uncertain significance (1 of 4 stars; one submission).

Allele frequency attached by ClinVar (database versions not stated): gnomAD 0.00001; 1000 Genomes Project 30x 0.00016; 1000 Genomes Project 0.00020.
gnomAD v4.1: 3 of 1,613,110 alleles (0.00019%); highest among the groups gnomAD compares: East Asian, 0.0045%; no homozygotes.

Submission:

Ambry Genetics
Classification: Uncertain significance. Last evaluated: 2024-05-11. Review status: criteria provided, single submitter. Criteria: Ambry Variant Classification Scheme 2023. Collection method: clinical testing. Allele origin: germline.
Comment: The p.A431V variant (also known as c.1292C>T), located in coding exon 9 of the POLQ gene, results from a C to T substitution at nucleotide position 1292. The alanine at codon 431 is replaced by valine, an amino acid with similar properties. This amino acid position is conserved. In addition, the in silico prediction for this alteration is inconclusive. Since supporting evidence is limited at this time, the clinical significance of this alteration remains unclear.

NM_199420.4(POLQ):c.1292C>T (p.Ala431Val)

Gene: POLQ (DNA polymerase theta; minus strand). Cytogenetic location: 3q13.33.
Variant type: single nucleotide variant.
Coding change: c.1292C>T on transcript NM_199420.4 (MANE Select); coding-DNA position 1292, C replaced by T.
Protein change: p.Ala431Val; replaces alanine 431 with valine.
Molecular consequence: missense variant.
Genome position (GRCh38, 1-based): chr3:121,520,047, G>A on the plus strand (C>T on the coding strand, the complement: POLQ is on the minus strand). VCF-style: chr3-121520047-G-A. GRCh37 (hg19) VCF-style: chr3-121238894-G-A.
Other names: short protein forms A431V.
Identifiers: ClinVar variation 1769134 (VCV001769134.3), dbSNP rs537281660, ClinGen allele CA81855870.
Genomic context (GRCh38, chr3:121,520,047, plus strand): 5'-TTCACCCCAGAAGAAAGAGTAGAAGTTGCCGCCAAGACCCGAATGAGACCTTGACGAAAG[G>A]CTCCTTCAATGATATCCCTCTCCTCAAAAGTAAGACCTAAAAAAAGGAGGTTTTTATATA-3'
Protein context (NP_955452.3, residues 421-441): TFEERDIIEG[Ala431Val]FRQGLIRVLA